The following is an entry in ClinVar:

ClinVar aggregate classification (germline): Uncertain significance. Review status: criteria provided, multiple submitters, no conflicts (2 of 4 stars). 3 submissions from 3 submitters: Uncertain significance (3). Last evaluated 2025-08-10.

Conditions:
Angelman syndrome (AS). Also called: HAPPY PUPPET SYNDROME. Identifiers: Orphanet 72, MedGen C0162635, MONDO:0007113, OMIM 105830. Disease mechanism: loss of function. Inheritance: AS is caused by disruption of maternally imprinted UBE3A located within the 15q11.2-q13 Angelman syndrome/Prader-Willi syndrome (AS/PWS) region., imprinting disorder.

Allele frequency attached by ClinVar (database versions not stated): gnomAD exomes below 0.00001 and 0.00001; TOPMed 0.00001; gnomAD 0.00002.
gnomAD v4.1: 12 of 1,612,638 alleles (0.00074%); highest among the groups gnomAD compares: South Asian, 0.0044%; no homozygotes.

Submissions (3):

Labcorp Genetics (formerly Invitae), Labcorp
Classification: Uncertain significance for Angelman syndrome. Last evaluated: 2025-08-10. Review status: criteria provided, single submitter. Criteria: Invitae Variant Classification Sherloc (09022015). Collection method: clinical testing. Allele origin: germline.
Comment: This sequence change replaces asparagine, which is neutral and polar, with serine, which is neutral and polar, at codon 692 of the UBE3A protein (p.Asn692Ser). This variant is present in population databases (no rsID available, gnomAD 0.002%). This variant has not been reported in the literature in individuals affected with UBE3A-related conditions. ClinVar contains an entry for this variant (Variation ID: 500116). Invitae Evidence Modeling of protein sequence and biophysical properties (such as structural, functional, and spatial information, amino acid conservation, physicochemical variation, residue mobility, and thermodynamic stability) indicates that this missense variant is not expected to disrupt UBE3A protein function with a negative predictive value of 80%. Experimental studies are conflicting or provide insufficient evidence to determine the effect of this variant on UBE3A function (PMID: 34815418). In summary, the available evidence is currently insufficient to determine the role of this variant in disease. Therefore, it has been classified as a Variant of Uncertain Significance.

GeneDx
Classification: Uncertain significance. Last evaluated: 2022-11-17. Review status: criteria provided, single submitter. Criteria: GeneDx Variant Classification Process June 2021. Collection method: clinical testing. Allele origin: germline. Affected: yes.
Comment: Previously reported as a variant of uncertain significance; however clinical details were not provided (Weston et al., 2021); Functional studies suggest that this variant results in gain of function; however gain-of-function is not a well established mechanism of disease associated with this gene (Weston et al., 2021); In silico analysis supports that this missense variant does not alter protein structure/function; This variant is associated with the following publications: (PMID: 34815418)

Eurofins Ntd Llc (ga)
Classification: Uncertain significance. Last evaluated: 2017-02-02. Review status: criteria provided, single submitter. Criteria: EGL Classification Definitions 2015. Collection method: clinical testing. Allele origin: germline. Observed: 1 variant allele, 1 heterozygote.

Literature cited by the submitters: PubMed 34815418 (cited by Labcorp Genetics (formerly Invitae), Labcorp).

NM_130839.5(UBE3A):c.2135A>G (p.Asn712Ser)

Genes: SNHG14 (small nucleolar RNA host gene 14; plus strand), UBE3A (ubiquitin protein ligase E3A; minus strand). Cytogenetic location: 15q11.2.
Variant type: single nucleotide variant.
Coding change: c.2135A>G on transcript NM_130839.5 (MANE Select); coding-DNA position 2135, A replaced by G.
Protein change: p.Asn712Ser; replaces asparagine 712 with serine.
Molecular consequence: missense variant. On other transcripts: non-coding transcript variant (1), intron variant (3).
Genome position (GRCh38, 1-based): chr15:25,354,673, T>C on the plus strand (A>G on the coding strand, the complement: UBE3A is on the minus strand). VCF-style: chr15-25354673-T-C. GRCh37 (hg19) VCF-style: chr15-25599820-T-C.
Other names: c.2144A>G, p.Asn715Ser (NM_000462.5); c.2135A>G, p.Asn712Ser (NM_001354505.1, NM_001354538.2); c.2075A>G, p.Asn692Ser (NM_001354506.2, NM_001354507.2, NM_001354508.2 and 14 more transcripts); c.1958A>G, p.Asn653Ser (NM_001354546.2); c.1910A>G, p.Asn637Ser (NM_001354549.2); c.884A>G, p.Asn295Ser (NM_001354550.2); c.824A>G, p.Asn275Ser (NM_001354551.2); c.2065-247A>G (NM_001354548.2, NM_001354547.2); and 1 more; short protein forms N692S, N295S, N637S, N712S, N653S, N715S, N275S.
Identifiers: ClinVar variation 500116 (VCV000500116.13), dbSNP rs916720140, ClinGen allele CA267770073.